The following is an entry in ClinVar:

NM_000368.5(TSC1):c.73_85dup (p.Phe29fs)

Gene: TSC1 (TSC complex subunit 1; minus strand). Cytogenetic location: 9q34.13.
Variant type: Duplication.
Coding change: c.73_85dup on transcript NM_000368.5 (MANE Select); coding-DNA positions 73 to 85, 13 bases duplicated (GTGACAGCTGTCT).
Protein change: p.Phe29fs; shifts the reading frame from phenylalanine 29.
Molecular consequence: frameshift variant. On other transcripts: 5 prime UTR variant (1).
Genome position (GRCh38, 1-based): chr9:132,928,788-132,928,800, AGACAGCTGTCAC duplicated on the plus strand (GTGACAGCTGTCT on the coding strand, the reverse complement: TSC1 is on the minus strand). VCF-style (leftmost placement, unchanged base first): chr9-132928787-A-AAGACAGCTGTCAC. GRCh37 (hg19) VCF-style: chr9-135804174-A-AAGACAGCTGTCAC.
Other names: c.73_85dup, p.Phe29fs (NM_001162426.2, NM_001162427.2); c.-187_-175dup (NM_001362177.2, NM_001406617.1, NM_001406619.1 and 3 more transcripts); c.73_85dup, p.Phe29Cysfs (NM_001406592.1, NM_001406593.1, NM_001406594.1 and 19 more transcripts); c.-279_-267dup (NM_001406614.1); c.-416_-404dup (NM_001406615.1, NM_001406623.1); c.-383_-371dup (NM_001406616.1, NM_001406624.1); c.-805_-793dup (NM_001406626.1, NM_001406627.1, NM_001406628.1); c.-947_-935dup (NM_001406629.1); and 1 more; short protein forms F29fs.
Identifiers: ClinVar variation 1809592 (VCV001809592.1), dbSNP rs2539143018, ClinGen allele CA2580079907.

ClinVar aggregate classification (germline): Pathogenic (1 of 4 stars; one submission).

Submission:

Quest Diagnostics Nichols Institute San Juan Capistrano
Classification: Pathogenic. Last evaluated: 2021-08-12. Review status: criteria provided, single submitter. Criteria: Quest Diagnostics criteria. Collection method: clinical testing. Allele origin: unknown.
Comment: This frameshift variant alters the translational reading frame of the TSC1 mRNA and causes the premature termination of TSC1 protein synthesis. To the best of our knowledge, the variant has not been reported in the published literature. Also, it has not been reported in large, multi-ethnic general populations.Therefore, the variant is classified as pathogenic.